The following is an entry in ClinVar:

ClinVar aggregate classification (germline): Uncertain significance. Review status: criteria provided, multiple submitters, no conflicts (2 of 4 stars). 2 submissions from 2 submitters: Uncertain significance (2). Last evaluated 2025-11-27.

Conditions:
Inborn genetic diseases. Identifiers: MedGen C0950123, MeSH D030342.

Allele frequency attached by ClinVar (database versions not stated): gnomAD exomes below 0.00001; TOPMed below 0.00001; ExAC 0.00001.

Submissions (2):

Labcorp Genetics (formerly Invitae), Labcorp
Classification: Uncertain significance. Last evaluated: 2025-11-27. Review status: criteria provided, single submitter. Criteria: Invitae Variant Classification Sherloc (09022015). Collection method: clinical testing. Allele origin: germline.
Comment: This sequence change replaces glutamic acid, which is acidic and polar, with glycine, which is neutral and non-polar, at codon 114 of the TNNT3 protein (p.Glu114Gly). This variant is present in population databases (rs747984101, gnomAD 0.006%). This variant has not been reported in the literature in individuals affected with TNNT3-related conditions. ClinVar contains an entry for this variant (Variation ID: 2301314). An algorithm developed to predict the effect of missense changes on protein structure and function (PolyPhen-2) suggests that this variant is likely to be disruptive. In summary, the available evidence is currently insufficient to determine the role of this variant in disease. Therefore, it has been classified as a Variant of Uncertain Significance.

Ambry Genetics
Classification: Uncertain significance for Inborn genetic diseases. Last evaluated: 2022-07-13. Review status: criteria provided, single submitter. Criteria: Ambry Variant Classification Scheme 2023. Collection method: clinical testing. Allele origin: germline.

NM_006757.4(TNNT3):c.341A>G (p.Glu114Gly)

Gene: TNNT3 (troponin T3, fast skeletal type; plus strand). Cytogenetic location: 11p15.5.
Variant type: single nucleotide variant.
Coding change: c.341A>G on transcript NM_006757.4 (MANE Select); coding-DNA position 341, A replaced by G.
Protein change: p.Glu114Gly; replaces glutamic acid 114 with glycine.
Molecular consequence: missense variant.
Genome position (GRCh38, 1-based): chr11:1,933,983, A>G. VCF-style: chr11-1933983-A-G. GRCh37 (hg19) VCF-style: chr11-1955213-A-G.
Other names: c.317A>G, p.Glu106Gly (NM_001042780.3, NM_001042782.3, NM_001297646.2 and 2 more transcripts); c.335A>G, p.Glu112Gly (NM_001042781.3, NM_001367842.1, NM_001367843.1); c.350A>G, p.Glu117Gly (NM_001363561.2, NM_001367847.1); c.374A>G, p.Glu125Gly (NM_001367846.1); c.338A>G, p.Glu113Gly (NM_001367848.1); c.329A>G, p.Glu110Gly (NM_001367849.1); c.284A>G, p.Glu95Gly (NM_001367850.1); c.137A>G, p.Glu46Gly (NM_001367851.1, NM_001367852.1); short protein forms E110G, E112G, E113G, E114G, E125G, E95G, E117G, E46G.
Identifiers: ClinVar variation 2301314 (VCV002301314.3), dbSNP rs747984101, ClinGen allele CA5816440.